The following is an entry in ClinVar:

NM_022132.5(MCCC2):c.1308_1318del (p.Lys436fs)

Gene: MCCC2 (methylcrotonyl-CoA carboxylase subunit 2; plus strand). Cytogenetic location: 5q13.2.
Variant type: Deletion.
Coding change: c.1308_1318del on transcript NM_022132.5 (MANE Select); coding-DNA positions 1308 to 1318, 11 bases deleted (GATAACCCTCA).
Protein change: p.Lys436fs; shifts the reading frame from lysine 436.
Molecular consequence: frameshift variant.
Genome position (GRCh38, 1-based): chr5:71,649,188-71,649,198, GATAACCCTCA deleted; deleting any 11 consecutive bases within chr5:71,649,187-71,649,198 gives the same sequence; the c. name uses the placement nearest the transcript's 3' end. VCF-style (leftmost placement, unchanged base first): chr5-71649186-AAGATAACCCTC-A. GRCh37 (hg19) VCF-style: chr5-70945013-AAGATAACCCTC-A.
Other names: c.1194_1204del, p.Lys398fs (NM_001363147.1); short protein forms K398fs, K436fs.
Identifiers: ClinVar variation 1403091 (VCV001403091.6), dbSNP rs2112467862, ClinGen allele CA2573139759.

ClinVar aggregate classification (germline): Pathogenic (1 of 4 stars; one submission).

Conditions:
3-methylcrotonyl-CoA carboxylase 2 deficiency. Also called: 3 alpha methylcrotonyl-CoA carboxylase 2 deficiency; 3 alpha methylcrotonylglycinuria 2; MCC 2 deficiency; Methylcrotonylglycinuria type 2; METHYLCROTONYLGLYCINURIA, TYPE II. Identifiers: Orphanet 6, MedGen C1859499, MONDO:0008862, OMIM 210210.

Submission:

Labcorp Genetics (formerly Invitae), Labcorp
Classification: Pathogenic for 3-methylcrotonyl-CoA carboxylase 2 deficiency. Last evaluated: 2022-08-16. Review status: criteria provided, single submitter. Criteria: Invitae Variant Classification Sherloc (09022015). Collection method: clinical testing. Allele origin: germline.
Comment: For these reasons, this variant has been classified as Pathogenic. This sequence change creates a premature translational stop signal (p.Lys436Asnfs*19) in the MCCC2 gene. It is expected to result in an absent or disrupted protein product. Loss-of-function variants in MCCC2 are known to be pathogenic (PMID: 11181649, 22642865). This variant is not present in population databases (gnomAD no frequency). This variant has not been reported in the literature in individuals affected with MCCC2-related conditions. ClinVar contains an entry for this variant (Variation ID: 1403091).

Literature cited by the submitters: PubMed 11181649; PubMed 22642865.